The following is an entry in ClinVar:

NM_019098.5(CNGB3):c.353C>T (p.Pro118Leu)

Gene: CNGB3 (cyclic nucleotide gated channel subunit beta 3; minus strand). Cytogenetic location: 8q21.3.
Variant type: single nucleotide variant.
Coding change: c.353C>T on transcript NM_019098.5 (MANE Select); coding-DNA position 353, C replaced by T.
Protein change: p.Pro118Leu; replaces proline 118 with leucine.
Molecular consequence: missense variant.
Genome position (GRCh38, 1-based): chr8:86,671,084, G>A on the plus strand (C>T on the coding strand, the complement: CNGB3 is on the minus strand). VCF-style: chr8-86671084-G-A. GRCh37 (hg19) VCF-style: chr8-87683312-G-A.
Other names: short protein forms P118L.
Identifiers: ClinVar variation 1040310 (VCV001040310.3), dbSNP rs755429797, ClinGen allele CA4800417.

ClinVar aggregate classification (germline): Uncertain significance. Review status: criteria provided, single submitter (1 of 4 stars). 2 submissions from 2 submitters: Uncertain significance (1). 1 of the submissions does not count toward it. Last evaluated 2022-02-19.

Conditions:
Achromatopsia. Also called: Rod monochromatism. Identifiers: Orphanet 49382, MedGen C0152200, MONDO:0018852, HP:0011516.

gnomAD v4.1: 10 of 1,613,658 alleles (0.00062%); highest among the groups gnomAD compares: Admixed American, 0.0017%; no homozygotes.

Submissions (2):

Labcorp Genetics (formerly Invitae), Labcorp
Classification: Uncertain significance. Last evaluated: 2022-02-19. Review status: criteria provided, single submitter. Criteria: Invitae Variant Classification Sherloc (09022015). Collection method: clinical testing. Allele origin: germline.
Comment: This sequence change replaces proline, which is neutral and non-polar, with leucine, which is neutral and non-polar, at codon 118 of the CNGB3 protein (p.Pro118Leu). This variant is present in population databases (rs755429797, gnomAD 0.006%). This variant has not been reported in the literature in individuals affected with CNGB3-related conditions. ClinVar contains an entry for this variant (Variation ID: 1040310). Advanced modeling of protein sequence and biophysical properties (such as structural, functional, and spatial information, amino acid conservation, physicochemical variation, residue mobility, and thermodynamic stability) performed at Invitae indicates that this missense variant is not expected to disrupt CNGB3 protein function. In summary, the available evidence is currently insufficient to determine the role of this variant in disease. Therefore, it has been classified as a Variant of Uncertain Significance.

Natera, Inc.
Classification: Uncertain significance for Achromatopsia. Last evaluated: 2021-07-20. Review status: no assertion criteria provided. Collection method: clinical testing. Allele origin: germline. Not counted in ClinVar's aggregate classification.